The following is an entry in ClinVar:

ClinVar aggregate classification (germline): Uncertain significance (1 of 4 stars; one submission).

Submission:

Labcorp Genetics (formerly Invitae), Labcorp
Classification: Uncertain significance. Last evaluated: 2023-09-06. Review status: criteria provided, single submitter. Criteria: Invitae Variant Classification Sherloc (09022015). Collection method: clinical testing. Allele origin: germline.
Comment: This sequence change replaces serine, which is neutral and polar, with threonine, which is neutral and polar, at codon 718 of the A2ML1 protein (p.Ser718Thr). This variant is not present in population databases (gnomAD no frequency). This variant has not been reported in the literature in individuals affected with A2ML1-related conditions. An algorithm developed to predict the effect of missense changes on protein structure and function (PolyPhen-2) suggests that this variant is likely to be tolerated. In summary, the available evidence is currently insufficient to determine the role of this variant in disease. Therefore, it has been classified as a Variant of Uncertain Significance.

NM_144670.6(A2ML1):c.2152T>A (p.Ser718Thr)

Gene: A2ML1 (alpha-2-macroglobulin like 1; plus strand). Cytogenetic location: 12p13.31.
Variant type: single nucleotide variant.
Coding change: c.2152T>A on transcript NM_144670.6 (MANE Select); coding-DNA position 2152, T replaced by A.
Protein change: p.Ser718Thr; replaces serine 718 with threonine.
Molecular consequence: missense variant.
Genome position (GRCh38, 1-based): chr12:8,850,192, T>A. VCF-style: chr12-8850192-T-A. GRCh37 (hg19) VCF-style: chr12-9002788-T-A.
Other names: c.679T>A, p.Ser227Thr (NM_001282424.3); short protein forms S718T, S227T.
Identifiers: ClinVar variation 2801188 (VCV002801188.3), dbSNP rs1943841149, ClinGen allele CA383832128.